The following is an entry in ClinVar:

ClinVar aggregate classification (germline): Uncertain significance (1 of 4 stars; one submission).

Conditions:
Glycogen storage disease IXd (GSD9D). Also called: Muscle Phosphorylase Kinase Deficiency; GSD IXd. Identifiers: Orphanet 715, MedGen C1845151, MONDO:0010362, OMIM 300559.

Submission:

Labcorp Genetics (formerly Invitae), Labcorp
Classification: Uncertain significance for Glycogen storage disease IXd. Last evaluated: 2025-07-30. Review status: criteria provided, single submitter. Criteria: Invitae Variant Classification Sherloc (09022015). Collection method: clinical testing. Allele origin: germline.
Comment: This sequence change replaces leucine, which is neutral and non-polar, with phenylalanine, which is neutral and non-polar, at codon 330 of the PHKA1 protein (p.Leu330Phe). This variant is not present in population databases (gnomAD no frequency). This variant has not been reported in the literature in individuals affected with PHKA1-related conditions. Invitae Evidence Modeling of protein sequence and biophysical properties (such as structural, functional, and spatial information, amino acid conservation, physicochemical variation, residue mobility, and thermodynamic stability) indicates that this missense variant is not expected to disrupt PHKA1 protein function with a negative predictive value of 80%. In summary, the available evidence is currently insufficient to determine the role of this variant in disease. Therefore, it has been classified as a Variant of Uncertain Significance.

NM_002637.4(PHKA1):c.990G>C (p.Leu330Phe)

Gene: PHKA1 (phosphorylase kinase regulatory subunit alpha 1; minus strand). Cytogenetic location: Xq13.1.
Variant type: single nucleotide variant.
Coding change: c.990G>C on transcript NM_002637.4 (MANE Select); coding-DNA position 990, G replaced by C.
Protein change: p.Leu330Phe; replaces leucine 330 with phenylalanine.
Molecular consequence: missense variant.
Genome position (GRCh38, 1-based): chrX:72,656,171, C>G on the plus strand (G>C on the coding strand, the complement: PHKA1 is on the minus strand). VCF-style: chrX-72656171-C-G. GRCh37 (hg19) VCF-style: chrX-71876021-C-G.
Other names: c.990G>C, p.Leu330Phe (NM_001122670.2, NM_001172436.2, NM_001431068.1 and 2 more transcripts); short protein forms L330F.
Identifiers: ClinVar variation 4742478 (VCV004742478.1).